The following is an entry in ClinVar:

ClinVar aggregate classification (germline): Uncertain significance (1 of 4 stars; one submission).

Allele frequency attached by ClinVar (database versions not stated): ExAC 0.00003; gnomAD exomes 0.00004; gnomAD 0.00007; TOPMed 0.00008.
gnomAD v4.1: 65 of 1,613,936 alleles (0.004%); highest among the groups gnomAD compares: Middle Eastern, 0.016%; no homozygotes.

Submission:

Labcorp Genetics (formerly Invitae), Labcorp
Classification: Uncertain significance. Last evaluated: 2022-05-07. Review status: criteria provided, single submitter. Criteria: Invitae Variant Classification Sherloc (09022015). Collection method: clinical testing. Allele origin: germline.
Comment: This sequence change replaces phenylalanine, which is neutral and non-polar, with leucine, which is neutral and non-polar, at codon 182 of the QRSL1 protein (p.Phe182Leu). This variant is present in population databases (rs765545478, gnomAD 0.008%). This variant has not been reported in the literature in individuals affected with QRSL1-related conditions. Algorithms developed to predict the effect of missense changes on protein structure and function output the following: SIFT: "Tolerated"; PolyPhen-2: "Benign"; Align-GVGD: "Class C0". The leucine amino acid residue is found in multiple mammalian species, which suggests that this missense change does not adversely affect protein function. In summary, the available evidence is currently insufficient to determine the role of this variant in disease. Therefore, it has been classified as a Variant of Uncertain Significance.

NM_018292.5(QRSL1):c.544T>C (p.Phe182Leu)

Gene: QRSL1 (glutaminyl-tRNA amidotransferase subunit QRSL1; plus strand). Cytogenetic location: 6q21.
Variant type: single nucleotide variant.
Coding change: c.544T>C on transcript NM_018292.5 (MANE Select); coding-DNA position 544, T replaced by C.
Protein change: p.Phe182Leu; replaces phenylalanine 182 with leucine.
Molecular consequence: missense variant.
Genome position (GRCh38, 1-based): chr6:106,649,188, T>C. VCF-style: chr6-106649188-T-C. GRCh37 (hg19) VCF-style: chr6-107097063-T-C.
Other names: short protein forms F182L.
Identifiers: ClinVar variation 2193248 (VCV002193248.4), dbSNP rs765545478, ClinGen allele CA3944778.